The following is an entry in ClinVar:

ClinVar aggregate classification (germline): Uncertain significance. Review status: criteria provided, multiple submitters, no conflicts (2 of 4 stars). 2 submissions from 2 submitters: Uncertain significance (2). Last evaluated 2026-05-14.

Conditions:
Cardiovascular phenotype. Identifiers: MedGen CN230736.

Submissions (2):

Ambry Genetics
Classification: Uncertain significance for Cardiovascular phenotype. Last evaluated: 2026-05-14. Review status: criteria provided, single submitter. Criteria: Ambry Variant Classification Scheme 2023. Collection method: clinical testing. Allele origin: germline.
Comment: The p.P924L variant (also known as c.2771C>T), located in coding exon 11 of the RBM20 gene, results from a C to T substitution at nucleotide position 2771. The proline at codon 924 is replaced by leucine, an amino acid with similar properties. This amino acid position is conserved. In addition, the in silico prediction for this alteration is inconclusive. Based on the available evidence, the clinical significance of this variant remains unclear.

GeneDx
Classification: Uncertain significance. Last evaluated: 2025-05-07. Review status: criteria provided, single submitter. Criteria: GeneDx Variant Classification Process June 2021. Collection method: clinical testing. Allele origin: germline. Affected: yes.
Comment: Not observed at significant frequency in large population cohorts (gnomAD); In silico analysis supports that this missense variant has a deleterious effect on protein structure/function; Has not been previously published as pathogenic or benign to our knowledge

NM_001134363.3(RBM20):c.2771C>T (p.Pro924Leu)

Gene: RBM20 (RNA binding motif protein 20; plus strand). Cytogenetic location: 10q25.2.
Variant type: single nucleotide variant.
Coding change: c.2771C>T on transcript NM_001134363.3 (MANE Select); coding-DNA position 2771, C replaced by T.
Protein change: p.Pro924Leu; replaces proline 924 with leucine.
Molecular consequence: missense variant.
Genome position (GRCh38, 1-based): chr10:110,821,390, C>T. VCF-style: chr10-110821390-C-T. GRCh37 (hg19) VCF-style: chr10-112581148-C-T.
Other names: short protein forms P924L.
Identifiers: ClinVar variation 4527864 (VCV004527864.2).